The following is an entry in ClinVar:

NM_000271.5(NPC1):c.1205_1208del (p.Phe402fs)

Gene: NPC1 (NPC intracellular cholesterol transporter 1; minus strand). Cytogenetic location: 18q11.2.
Variant type: Deletion.
Coding change: c.1205_1208del on transcript NM_000271.5 (MANE Select); coding-DNA positions 1205 to 1208, 4 bases deleted (TCTT; older notation c.1205_1208delTCTT).
Protein change: p.Phe402fs; shifts the reading frame from phenylalanine 402.
Molecular consequence: frameshift variant.
Genome position (GRCh38, 1-based): chr18:23,556,361-23,556,364, AAGA deleted on the plus strand (TCTT on the coding strand, the reverse complement: NPC1 is on the minus strand); deleting any 4 consecutive bases within chr18:23,556,361-23,556,367 gives the same sequence; the c. name uses the placement nearest the transcript's 3' end. VCF-style (leftmost placement, unchanged base first): chr18-23556360-GAAGA-G. GRCh37 (hg19) VCF-style: chr18-21136324-GAAGA-G.
Other names: short protein forms F402fs.
Identifiers: ClinVar variation 2778375 (VCV002778375.3), dbSNP rs2511283040, ClinGen allele CA2641274169.
Genomic context (GRCh38, chr18:23,556,360, plus strand): 5'-GTATGGCTGGTAAATGTGTTTGTCAGTGAGAGGGGCCCGGATGATGAGCTGCTCCGTCCG[GAAGA>G]AAGGCCCAAAGTGCTGGTCAAAGTACTCTTTTTCCAGGCGAGCCTGGCTGCTGGGGGCTG-3'

ClinVar aggregate classification (germline): Pathogenic (1 of 4 stars; one submission).

Conditions:
Niemann-Pick disease, type C1. Also called: NEUROVISCERAL STORAGE DISEASE WITH VERTICAL SUPRANUCLEAR OPHTHALMOPLEGIA; NIEMANN-PICK DISEASE WITH CHOLESTEROL ESTERIFICATION BLOCK; NIEMANN-PICK DISEASE WITHOUT SPHINGOMYELINASE DEFICIENCY; NIEMANN-PICK DISEASE, CHRONIC NEURONOPATHIC FORM; NIEMANN-PICK DISEASE, VARIANT TYPE C1. Identifiers: Orphanet 646, MedGen C3179455, MONDO:0009757, OMIM 257220.

Submission:

Labcorp Genetics (formerly Invitae), Labcorp
Classification: Pathogenic for Niemann-Pick disease, type C1. Last evaluated: 2023-03-04. Review status: criteria provided, single submitter. Criteria: Invitae Variant Classification Sherloc (09022015). Collection method: clinical testing. Allele origin: germline.
Comment: This sequence change creates a premature translational stop signal (p.Phe402Serfs*46) in the NPC1 gene. It is expected to result in an absent or disrupted protein product. Loss-of-function variants in NPC1 are known to be pathogenic (PMID: 9211850). This variant is not present in population databases (gnomAD no frequency). This variant has not been reported in the literature in individuals affected with NPC1-related conditions. For these reasons, this variant has been classified as Pathogenic.

Literature cited by the submitters: PubMed 9211850.